The following is an entry in ClinVar:

ClinVar aggregate classification (germline): Uncertain significance (1 of 4 stars; one submission).

Conditions:
Retinoblastoma (RB1). Also called: RETINOBLASTOMA, SOMATIC. Identifiers: Orphanet 790, MedGen C0035335, MeSH D012175, MONDO:0008380, OMIM 180200, HP:0009919. Disease mechanism: loss of function. Inheritance: Both sporadic and heritable forms are tested..

Submission:

Labcorp Genetics (formerly Invitae), Labcorp
Classification: Uncertain significance for Retinoblastoma. Last evaluated: 2023-08-16. Review status: criteria provided, single submitter. Criteria: Invitae Variant Classification Sherloc (09022015). Collection method: clinical testing. Allele origin: germline.
Comment: In summary, the available evidence is currently insufficient to determine the role of this variant in disease. Therefore, it has been classified as a Variant of Uncertain Significance. Advanced modeling of protein sequence and biophysical properties (such as structural, functional, and spatial information, amino acid conservation, physicochemical variation, residue mobility, and thermodynamic stability) performed at Invitae indicates that this missense variant is not expected to disrupt RB1 protein function. This variant has not been reported in the literature in individuals affected with RB1-related conditions. This variant is not present in population databases (gnomAD no frequency). This sequence change replaces arginine, which is basic and polar, with proline, which is neutral and non-polar, at codon 621 of the RB1 protein (p.Arg621Pro).

NM_000321.3(RB1):c.1862G>C (p.Arg621Pro)

Gene: RB1 (RB transcriptional corepressor 1; plus strand). Cytogenetic location: 13q14.2.
Variant type: single nucleotide variant.
Coding change: c.1862G>C on transcript NM_000321.3 (MANE Select); coding-DNA position 1862, G replaced by C.
Protein change: p.Arg621Pro; replaces arginine 621 with proline.
Molecular consequence: missense variant.
Genome position (GRCh38, 1-based): chr13:48,456,251, G>C. VCF-style: chr13-48456251-G-C. GRCh37 (hg19) VCF-style: chr13-49030387-G-C.
Other names: c.1862G>C, p.Arg621Pro (NM_001407165.1); short protein forms R621P.
Identifiers: ClinVar variation 2752650 (VCV002752650.3), dbSNP rs373601944, ClinGen allele CA388165780.